The following is an entry in ClinVar:

ClinVar aggregate classification (germline): Uncertain significance (1 of 4 stars; one submission).

Conditions:
Dyskeratosis congenita. Identifiers: Orphanet 1775, MedGen C0265965, MONDO:0015780.

Allele frequency attached by ClinVar (database versions not stated): ExAC 0.00001; gnomAD exomes 0.00001; TOPMed 0.00005; ESP Exome Variant Server 0.00008; gnomAD 0.00008; 1000 Genomes Project 30x 0.00016; 1000 Genomes Project 0.00020.
gnomAD v4.1: 16 of 1,614,116 alleles (0.00099%); highest among the groups gnomAD compares: African/African-American, 0.021%; no homozygotes.

Submission:

Labcorp Genetics (formerly Invitae), Labcorp
Classification: Uncertain significance for Dyskeratosis congenita. Last evaluated: 2022-06-16. Review status: criteria provided, single submitter. Criteria: Invitae Variant Classification Sherloc (09022015). Collection method: clinical testing. Allele origin: germline.
Comment: In summary, the available evidence is currently insufficient to determine the role of this variant in disease. Therefore, it has been classified as a Variant of Uncertain Significance. Algorithms developed to predict the effect of missense changes on protein structure and function are either unavailable or do not agree on the potential impact of this missense change (SIFT: "Tolerated"; PolyPhen-2: "Probably Damaging"; Align-GVGD: "Class C0"). ClinVar contains an entry for this variant (Variation ID: 964176). This variant has not been reported in the literature in individuals affected with CTC1-related conditions. This variant is present in population databases (rs377324497, gnomAD 0.03%). This sequence change replaces glycine, which is neutral and non-polar, with alanine, which is neutral and non-polar, at codon 293 of the CTC1 protein (p.Gly293Ala).

NM_025099.6(CTC1):c.878G>C (p.Gly293Ala)

Gene: CTC1 (CST telomere replication complex component 1; minus strand). Cytogenetic location: 17p13.1.
Variant type: single nucleotide variant.
Coding change: c.878G>C on transcript NM_025099.6 (MANE Select); coding-DNA position 878, G replaced by C.
Protein change: p.Gly293Ala; replaces glycine 293 with alanine.
Molecular consequence: missense variant. On other transcripts: non-coding transcript variant (1).
Genome position (GRCh38, 1-based): chr17:8,236,257, C>G on the plus strand (G>C on the coding strand, the complement: CTC1 is on the minus strand). VCF-style: chr17-8236257-C-G. GRCh37 (hg19) VCF-style: chr17-8139575-C-G.
Other names: short protein forms G293A.
Identifiers: ClinVar variation 964176 (VCV000964176.10), dbSNP rs377324497, ClinGen allele CA8372530.